The following is an entry in ClinVar:

ClinVar aggregate classification (germline): Uncertain significance (1 of 4 stars; one submission).

Conditions:
Norman-Roberts syndrome (LIS2). Also called: Lissencephaly 2 (Norman-Roberts type). Identifiers: Orphanet 89844, MedGen C0796089, MONDO:0009760, OMIM 257320.
Familial temporal lobe epilepsy 7. Identifiers: Orphanet 101046, MedGen C4225327, MONDO:0014639, OMIM 616436.

Allele frequency attached by ClinVar (database versions not stated): gnomAD exomes below 0.00001 and 0.00001; gnomAD 0.00004 and 0.00005; TOPMed 0.00009.
gnomAD v4.1: 15 of 1,613,760 alleles (0.00093%); highest among the groups gnomAD compares: Admixed American, 0.02%; no homozygotes.

Submission:

Labcorp Genetics (formerly Invitae), Labcorp
Classification: Uncertain significance for Familial temporal lobe epilepsy 7; Norman-Roberts syndrome. Last evaluated: 2026-02-01. Review status: criteria provided, single submitter. Criteria: Invitae Variant Classification Sherloc (09022015). Collection method: clinical testing. Allele origin: germline.
Comment: This sequence change replaces arginine, which is basic and polar, with glycine, which is neutral and non-polar, at codon 822 of the RELN protein (p.Arg822Gly). This variant is present in population databases (no rsID available, gnomAD 0.007%). This variant has not been reported in the literature in individuals affected with RELN-related conditions. ClinVar contains an entry for this variant (Variation ID: 845342). An algorithm developed to predict the effect of missense changes on protein structure and function (PolyPhen-2) suggests that this variant is likely to be disruptive. In summary, the available evidence is currently insufficient to determine the role of this variant in disease. Therefore, it has been classified as a Variant of Uncertain Significance.

NM_005045.4(RELN):c.2464A>G (p.Arg822Gly)

Gene: RELN (reelin; minus strand). Cytogenetic location: 7q22.1.
Variant type: single nucleotide variant.
Coding change: c.2464A>G on transcript NM_005045.4 (MANE Select); coding-DNA position 2464, A replaced by G.
Protein change: p.Arg822Gly; replaces arginine 822 with glycine.
Molecular consequence: missense variant.
Genome position (GRCh38, 1-based): chr7:103,635,426, T>C on the plus strand (A>G on the coding strand, the complement: RELN is on the minus strand). VCF-style: chr7-103635426-T-C. GRCh37 (hg19) VCF-style: chr7-103275873-T-C.
Other names: c.2464A>G, p.Arg822Gly (NM_173054.3); short protein forms R822G.
Identifiers: ClinVar variation 845342 (VCV000845342.7), dbSNP rs945117892, ClinGen allele CA163925513.